The following is an entry in ClinVar:

ClinVar aggregate classification (germline): Uncertain significance (1 of 4 stars; one submission).

Conditions:
Neuropathy, hereditary sensory and autonomic, type 2A (HSAN2A). Also called: HSAN IIA; WNK1-Related HSAN2 (HSAN2A); ACROOSTEOLYSIS, GIACCAI TYPE; ACROOSTEOLYSIS, NEUROGENIC; MORVAN DISEASE; NEUROPATHY, CONGENITAL SENSORY. Identifiers: Orphanet 970, MedGen C2752089, MONDO:0024309, OMIM 201300.
Pseudohypoaldosteronism type 2C (PHA2C). Also called: Pseudohypoaldosteronism Type IIC. Identifiers: Orphanet 757, Orphanet 88940, MedGen C1840391, MONDO:0013778, OMIM 614492.

gnomAD v4.1: 1 of 1,602,172 alleles (0.000062%); highest among the groups gnomAD compares: Admixed American, 0.0017%; no homozygotes.

Submission:

Labcorp Genetics (formerly Invitae), Labcorp
Classification: Uncertain significance for Neuropathy, hereditary sensory and autonomic, type 2A; Pseudohypoaldosteronism type 2C. Last evaluated: 2022-07-20. Review status: criteria provided, single submitter. Criteria: Invitae Variant Classification Sherloc (09022015). Collection method: clinical testing. Allele origin: germline.
Comment: In summary, the available evidence is currently insufficient to determine the role of this variant in disease. Therefore, it has been classified as a Variant of Uncertain Significance. Advanced modeling of protein sequence and biophysical properties (such as structural, functional, and spatial information, amino acid conservation, physicochemical variation, residue mobility, and thermodynamic stability) performed at Invitae indicates that this missense variant is not expected to disrupt WNK1 protein function. This variant has not been reported in the literature in individuals affected with WNK1-related conditions. This variant is present in population databases (no rsID available, gnomAD 0.003%). This sequence change replaces proline, which is neutral and non-polar, with serine, which is neutral and polar, at codon 165 of the WNK1 protein (p.Pro165Ser).

NM_018979.4(WNK1):c.493C>T (p.Pro165Ser)

Gene: WNK1 (WNK lysine deficient protein kinase 1; plus strand). Cytogenetic location: 12p13.33.
Variant type: single nucleotide variant.
Coding change: c.493C>T on transcript NM_018979.4 (MANE Select); coding-DNA position 493, C replaced by T.
Protein change: p.Pro165Ser; replaces proline 165 with serine.
Molecular consequence: missense variant.
Genome position (GRCh38, 1-based): chr12:754,058, C>T. VCF-style: chr12-754058-C-T. GRCh37 (hg19) VCF-style: chr12-863224-C-T.
Other names: c.493C>T, p.Pro165Ser (NM_001184985.2, NM_014823.3, NM_213655.5); short protein forms P165S.
Identifiers: ClinVar variation 1968265 (VCV001968265.5), dbSNP rs770997482, ClinGen allele CA383306816.